The following is an entry in ClinVar:

ClinVar aggregate classification (germline): Uncertain significance (1 of 4 stars; one submission).

Allele frequency attached by ClinVar (database versions not stated): TOPMed below 0.00001; gnomAD 0.00001; ExAC 0.00003.
gnomAD v4.1: 11 of 1,614,024 alleles (0.00068%); highest among the groups gnomAD compares: South Asian, 0.0055%; no homozygotes.

Submission:

Labcorp Genetics (formerly Invitae), Labcorp
Classification: Uncertain significance. Last evaluated: 2025-10-09. Review status: criteria provided, single submitter. Criteria: Invitae Variant Classification Sherloc (09022015). Collection method: clinical testing. Allele origin: germline.
Comment: This sequence change replaces isoleucine, which is neutral and non-polar, with threonine, which is neutral and polar, at codon 2758 of the KMT2A protein (p.Ile2758Thr). This variant is present in population databases (rs782784333, gnomAD 0.01%). This variant has not been reported in the literature in individuals affected with KMT2A-related conditions. ClinVar contains an entry for this variant (Variation ID: 2111770). Invitae Evidence Modeling of protein sequence and biophysical properties (such as structural, functional, and spatial information, amino acid conservation, physicochemical variation, residue mobility, and thermodynamic stability) indicates that this missense variant is not expected to disrupt KMT2A protein function with a negative predictive value of 95%. In summary, the available evidence is currently insufficient to determine the role of this variant in disease. Therefore, it has been classified as a Variant of Uncertain Significance.

NM_001197104.2(KMT2A):c.8273T>C (p.Ile2758Thr)

Gene: KMT2A (lysine methyltransferase 2A; plus strand). Cytogenetic location: 11q23.3.
Variant type: single nucleotide variant.
Coding change: c.8273T>C on transcript NM_001197104.2 (MANE Select); coding-DNA position 8273, T replaced by C.
Protein change: p.Ile2758Thr; replaces isoleucine 2758 with threonine.
Molecular consequence: missense variant.
Genome position (GRCh38, 1-based): chr11:118,504,165, T>C. VCF-style: chr11-118504165-T-C. GRCh37 (hg19) VCF-style: chr11-118374880-T-C.
Other names: c.8363T>C, p.Ile2788Thr (NM_001412597.1); c.8264T>C, p.Ile2755Thr (NM_005933.4); short protein forms I2788T, I2758T, I2755T.
Identifiers: ClinVar variation 2111770 (VCV002111770.4), dbSNP rs782784333, ClinGen allele CA6304478.